The following is an entry in ClinVar:

NM_000512.5(GALNS):c.709G>A (p.Ala237Thr)

Gene: GALNS (galactosamine (N-acetyl)-6-sulfatase; minus strand). Cytogenetic location: 16q24.3.
Variant type: single nucleotide variant.
Coding change: c.709G>A on transcript NM_000512.5 (MANE Select); coding-DNA position 709, G replaced by A.
Protein change: p.Ala237Thr; replaces alanine 237 with threonine.
Molecular consequence: missense variant.
Genome position (GRCh38, 1-based): chr16:88,835,774, C>T on the plus strand (G>A on the coding strand, the complement: GALNS is on the minus strand). VCF-style: chr16-88835774-C-T. GRCh37 (hg19) VCF-style: chr16-88902182-C-T.
Other names: c.154G>A, p.Ala52Thr (NM_001323543.2); c.727G>A, p.Ala243Thr (NM_001323544.2); short protein forms A243T, A52T, A237T.
Identifiers: ClinVar variation 853594 (VCV000853594.5), dbSNP rs550139020, ClinGen allele CA8235020.

ClinVar aggregate classification (germline): Uncertain significance (1 of 4 stars; one submission).

Conditions:
Mucopolysaccharidosis, MPS-IV-A (MPS4A). Also called: MPS IVA; Morquio syndrome A, mild; GALACTOSAMINE-6-SULFATASE DEFICIENCY; GALNS DEFICIENCY; MORQUIO A DISEASE; Mucopolysaccharidosis type IV A. Identifiers: Orphanet 309297, Orphanet 582, MedGen C0086651, MONDO:0009659, OMIM 253000.

Allele frequency attached by ClinVar (database versions not stated): gnomAD exomes 0.00001 and 0.00003; TOPMed 0.00001; gnomAD 0.00003; ExAC 0.00005; 1000 Genomes Project 30x 0.00016; 1000 Genomes Project 0.00020.
gnomAD v4.1: 21 of 1,614,108 alleles (0.0013%); highest among the groups gnomAD compares: East Asian, 0.0022%; no homozygotes.

Submission:

Labcorp Genetics (formerly Invitae), Labcorp
Classification: Uncertain significance for Mucopolysaccharidosis, MPS-IV-A. Last evaluated: 2021-11-21. Review status: criteria provided, single submitter. Criteria: Invitae Variant Classification Sherloc (09022015). Collection method: clinical testing. Allele origin: germline.
Comment: This sequence change replaces alanine, which is neutral and non-polar, with threonine, which is neutral and polar, at codon 237 of the GALNS protein (p.Ala237Thr). This variant is present in population databases (rs550139020, gnomAD 0.04%). This variant has not been reported in the literature in individuals affected with GALNS-related conditions. ClinVar contains an entry for this variant (Variation ID: 853594). Advanced modeling of protein sequence and biophysical properties (such as structural, functional, and spatial information, amino acid conservation, physicochemical variation, residue mobility, and thermodynamic stability) performed at Invitae indicates that this missense variant is not expected to disrupt GALNS protein function. In summary, the available evidence is currently insufficient to determine the role of this variant in disease. Therefore, it has been classified as a Variant of Uncertain Significance.